The following is an entry in ClinVar:

NM_145290.4(ADGRA3):c.2975_2976del (p.Phe992fs)

Gene: ADGRA3 (adhesion G protein-coupled receptor A3; minus strand). Cytogenetic location: 4p15.2.
Variant type: Deletion.
Coding change: c.2975_2976del on transcript NM_145290.4 (MANE Select); coding-DNA positions 2975 to 2976, 2 bases deleted (TT; older notation c.2975_2976delTT).
Protein change: p.Phe992fs; shifts the reading frame from phenylalanine 992.
Molecular consequence: frameshift variant.
Genome position (GRCh38, 1-based): chr4:22,388,695-22,388,696, AA deleted on the plus strand (TT on the coding strand, the reverse complement: ADGRA3 is on the minus strand); deleting any 2 consecutive bases within chr4:22,388,695-22,388,698 gives the same sequence; the c. name uses the placement nearest the transcript's 3' end. VCF-style (leftmost placement, unchanged base first): chr4-22388694-GAA-G. GRCh37 (hg19) VCF-style: chr4-22390317-GAA-G.
Other names: short protein forms F992fs.
Identifiers: ClinVar variation 1346458 (VCV001346458.6), dbSNP rs2108989541, ClinGen allele CA2573137647.

ClinVar aggregate classification (germline): Uncertain significance (1 of 4 stars; one submission).

Submission:

Labcorp Genetics (formerly Invitae), Labcorp
Classification: Uncertain significance. Last evaluated: 2021-04-17. Review status: criteria provided, single submitter. Criteria: Invitae Variant Classification Sherloc (09022015). Collection method: clinical testing. Allele origin: germline.
Comment: In summary, the available evidence is currently insufficient to determine the role of this variant in disease. Therefore, it has been classified as a Variant of Uncertain Significance. This variant has not been reported in the literature in individuals with ADGRA3-related conditions. This variant is not present in population databases (ExAC no frequency). This sequence change creates a premature translational stop signal (p.Phe992Serfs*36) in the ADGRA3 gene. While this is not anticipated to result in nonsense mediated decay, it is expected to disrupt the last 330 amino acid(s) of the ADGRA3 protein.